The following is an entry in ClinVar:

NM_001128840.3(CACNA1D):c.2520T>C (p.Pro840=)

Gene: CACNA1D (calcium voltage-gated channel subunit alpha1 D; plus strand). Cytogenetic location: 3p21.1.
Variant type: single nucleotide variant.
Coding change: c.2520T>C on transcript NM_001128840.3 (MANE Select); coding-DNA position 2520, T replaced by C.
Protein change: p.Pro840=; no amino-acid change (proline 840 retained).
Molecular consequence: synonymous variant.
Genome position (GRCh38, 1-based): chr3:53,732,861, T>C. VCF-style: chr3-53732861-T-C. GRCh37 (hg19) VCF-style: chr3-53766888-T-C.
Other names: c.2580T>C, p.Pro860= (NM_000720.4); c.2520T>C, p.Pro840= (NM_001128839.3).
Identifiers: ClinVar variation 2653903 (VCV002653903.27), dbSNP rs2473797031, ClinGen allele CA433800817.
Genomic context (GRCh38, chr3:53,732,861, plus strand): 5'-TATTTCATTTAAAGTAGGGGAAGAGGAAGAGGAAGAGGAGGAGGATGAACCTGAGGTTCC[T>C]GCCGGACCCCGTCCTCGAAGGATCTCGGAGTTGAACATGAAGGAAAAAATTGCCCCCATC-3'
Protein context (NP_001122312.1, residues 830-850): EEEEEDEPEV[Pro840=]AGPRPRRISE

ClinVar aggregate classification (germline): Likely benign. Review status: criteria provided, multiple submitters, no conflicts (2 of 4 stars). 2 submissions from 2 submitters: Likely benign (2). Last evaluated 2023-10-13.

gnomAD v4.1: 1 of 1,613,960 alleles (0.000062%); no homozygotes.

Submissions (2):

Labcorp Genetics (formerly Invitae), Labcorp
Classification: Likely benign. Last evaluated: 2023-10-13. Review status: criteria provided, single submitter. Criteria: Invitae Variant Classification Sherloc (09022015). Collection method: clinical testing. Allele origin: germline.

CeGaT Center for Human Genetics Tuebingen
Classification: Likely benign. Last evaluated: 2023-02-01. Review status: criteria provided, single submitter. Criteria: CeGaT Center For Human Genetics Tuebingen Variant Classification Criteria Version 2. Collection method: clinical testing. Allele origin: germline. Affected: yes. Observed: 1 variant allele.
Comment: CACNA1D: PM2:Supporting, BP4, BP7